The following is an entry in ClinVar:

NM_001099271.2(POC5):c.10G>A (p.Asp4Asn)

Gene: POC5 (POC5 centriolar protein; minus strand). Cytogenetic location: 5q13.3.
Variant type: single nucleotide variant.
Coding change: c.10G>A on transcript NM_001099271.2 (MANE Select); coding-DNA position 10, G replaced by A.
Protein change: p.Asp4Asn; replaces aspartic acid 4 with asparagine.
Molecular consequence: missense variant.
Genome position (GRCh38, 1-based): chr5:75,712,928, C>T on the plus strand (G>A on the coding strand, the complement: POC5 is on the minus strand). VCF-style: chr5-75712928-C-T. GRCh37 (hg19) VCF-style: chr5-75008753-C-T.
Other names: short protein forms D4N.
Identifiers: ClinVar variation 2126560 (VCV002126560.4), dbSNP rs2478984769, ClinGen allele CA360151924.

ClinVar aggregate classification (germline): Uncertain significance (1 of 4 stars; one submission).

Submission:

Labcorp Genetics (formerly Invitae), Labcorp
Classification: Uncertain significance. Last evaluated: 2022-08-23. Review status: criteria provided, single submitter. Criteria: Invitae Variant Classification Sherloc (09022015). Collection method: clinical testing. Allele origin: germline.
Comment: This sequence change replaces aspartic acid, which is acidic and polar, with asparagine, which is neutral and polar, at codon 4 of the POC5 protein (p.Asp4Asn). This variant is not present in population databases (gnomAD no frequency). This variant has not been reported in the literature in individuals affected with POC5-related conditions. Algorithms developed to predict the effect of missense changes on protein structure and function output the following: SIFT: "Not Available"; PolyPhen-2: "Benign"; Align-GVGD: "Not Available". The asparagine amino acid residue is found in multiple mammalian species, which suggests that this missense change does not adversely affect protein function. In summary, the available evidence is currently insufficient to determine the role of this variant in disease. Therefore, it has been classified as a Variant of Uncertain Significance.